The following is an entry in ClinVar:

NM_001040105.2(MUC17):c.3813A>C (p.Ser1271=)

Gene: MUC17 (mucin 17, cell surface associated; plus strand). Cytogenetic location: 7q22.1.
Variant type: single nucleotide variant.
Coding change: c.3813A>C on transcript NM_001040105.2 (MANE Select); coding-DNA position 3813, A replaced by C.
Protein change: p.Ser1271=; no amino-acid change (serine 1271 retained).
Molecular consequence: synonymous variant. On other transcripts: non-coding transcript variant (1).
Genome position (GRCh38, 1-based): chr7:101,035,229, A>C. VCF-style: chr7-101035229-A-C. GRCh37 (hg19) VCF-style: chr7-100678510-A-C.
Identifiers: ClinVar variation 2657840 (VCV002657840.24), dbSNP rs145962817, ClinGen allele CA4401873.

ClinVar aggregate classification (germline): Likely benign (1 of 4 stars; one submission).

Allele frequency attached by ClinVar (database versions not stated): 1000 Genomes Project 30x 0.00125; 1000 Genomes Project 0.00160; ESP Exome Variant Server 0.00292; TOPMed 0.00296; gnomAD exomes 0.00347; gnomAD 0.00374; ExAC 0.00375.
gnomAD v4.1: 5,562 of 1,609,400 alleles (0.35%); highest among the groups gnomAD compares: Non-Finnish European, 0.37%; 16 homozygotes.

Submission:

CeGaT Center for Human Genetics Tuebingen
Classification: Likely benign. Last evaluated: 2023-04-01. Review status: criteria provided, single submitter. Criteria: CeGaT Center For Human Genetics Tuebingen Variant Classification Criteria Version 2. Collection method: clinical testing. Allele origin: germline. Affected: yes. Observed: 1 variant allele.
Comment: MUC17: BP4, BP7, BS2